The following is an entry in ClinVar:

ClinVar aggregate classification (germline): Uncertain significance (1 of 4 stars; one submission).

Conditions:
Congenital disorder of glycosylation type 1E (CDG1E). Also called: CDG Ie; CONGENITAL DISORDER OF GLYCOSYLATION, TYPE Ie. Identifiers: Orphanet 79322, MedGen C1837396, MONDO:0012123, OMIM 608799.

Submission:

Labcorp Genetics (formerly Invitae), Labcorp
Classification: Uncertain significance for Congenital disorder of glycosylation type 1E. Last evaluated: 2020-05-20. Review status: criteria provided, single submitter. Criteria: Invitae Variant Classification Sherloc (09022015). Collection method: clinical testing. Allele origin: germline.
Comment: In summary, the available evidence is currently insufficient to determine the role of this variant in disease. Therefore, it has been classified as a Variant of Uncertain Significance. Algorithms developed to predict the effect of missense changes on protein structure and function are either unavailable or do not agree on the potential impact of this missense change (SIFT: "Deleterious"; PolyPhen-2: "Benign"; Align-GVGD: "Class C0"). This variant has not been reported in the literature in individuals with DPM1-related conditions. This variant is not present in population databases (ExAC no frequency). This sequence change replaces isoleucine with valine at codon 87 of the DPM1 protein (p.Ile87Val). The isoleucine residue is highly conserved and there is a small physicochemical difference between isoleucine and valine.

NM_003859.3(DPM1):c.259A>G (p.Ile87Val)

Gene: DPM1 (dolichyl-phosphate mannosyltransferase subunit 1, catalytic; minus strand). Cytogenetic location: 20q13.13.
Variant type: single nucleotide variant.
Coding change: c.259A>G on transcript NM_003859.3 (MANE Select); coding-DNA position 259, A replaced by G.
Protein change: p.Ile87Val; replaces isoleucine 87 with valine.
Molecular consequence: missense variant. On other transcripts: non-coding transcript variant (1).
Genome position (GRCh38, 1-based): chr20:50,955,188, T>C on the plus strand (A>G on the coding strand, the complement: DPM1 is on the minus strand). VCF-style: chr20-50955188-T-C. GRCh37 (hg19) VCF-style: chr20-49571725-T-C.
Other names: c.259A>G, p.Ile87Val (NM_001317034.1, NM_001317035.1, NM_001317036.1); short protein forms I87V.
Identifiers: ClinVar variation 1046183 (VCV001046183.8), dbSNP rs1986763754, ClinGen allele CA408978582.